The following is an entry in ClinVar:

NM_001163435.3(TBCK):c.1616A>G (p.His539Arg)

Gene: TBCK (TBC1 domain containing kinase; minus strand). Cytogenetic location: 4q24.
Variant type: single nucleotide variant.
Coding change: c.1616A>G on transcript NM_001163435.3 (MANE Select); coding-DNA position 1616, A replaced by G.
Protein change: p.His539Arg; replaces histidine 539 with arginine.
Molecular consequence: missense variant.
Genome position (GRCh38, 1-based): chr4:106,232,961, T>C on the plus strand (A>G on the coding strand, the complement: TBCK is on the minus strand). VCF-style: chr4-106232961-T-C. GRCh37 (hg19) VCF-style: chr4-107154118-T-C.
Other names: c.1616A>G, p.His539Arg (NM_001163436.4); c.1499A>G, p.His500Arg (NM_001163437.3); c.1100A>G, p.His367Arg (NM_001290768.2); c.1427A>G, p.His476Arg (NM_033115.5); short protein forms H539R, H476R, H367R, H500R.
Identifiers: ClinVar variation 1369289 (VCV001369289.8), dbSNP rs2149997325, ClinGen allele CA357822300.

ClinVar aggregate classification (germline): Uncertain significance (1 of 4 stars; one submission).

Submission:

Labcorp Genetics (formerly Invitae), Labcorp
Classification: Uncertain significance. Last evaluated: 2025-06-02. Review status: criteria provided, single submitter. Criteria: Invitae Variant Classification Sherloc (09022015). Collection method: clinical testing. Allele origin: germline.
Comment: This sequence change replaces histidine, which is basic and polar, with arginine, which is basic and polar, at codon 539 of the TBCK protein (p.His539Arg). This variant is not present in population databases (gnomAD no frequency). This variant has not been reported in the literature in individuals affected with TBCK-related conditions. ClinVar contains an entry for this variant (Variation ID: 1369289). Invitae Evidence Modeling of protein sequence and biophysical properties (such as structural, functional, and spatial information, amino acid conservation, physicochemical variation, residue mobility, and thermodynamic stability) indicates that this missense variant is not expected to disrupt TBCK protein function with a negative predictive value of 80%. In summary, the available evidence is currently insufficient to determine the role of this variant in disease. Therefore, it has been classified as a Variant of Uncertain Significance.